The following is an entry in ClinVar:

NM_005609.4(PYGM):c.1726C>T (p.Arg576Ter)

Gene: PYGM (glycogen phosphorylase, muscle associated; minus strand). Cytogenetic location: 11q13.1.
Variant type: single nucleotide variant.
Coding change: c.1726C>T on transcript NM_005609.4 (MANE Select); coding-DNA position 1726, C replaced by T.
Protein change: p.Arg576Ter; replaces arginine 576 with a stop codon.
Molecular consequence: nonsense.
Genome position (GRCh38, 1-based): chr11:64,751,966, G>A on the plus strand (C>T on the coding strand, the complement: PYGM is on the minus strand). VCF-style: chr11-64751966-G-A. GRCh37 (hg19) VCF-style: chr11-64519438-G-A.
Other names: R575*; p.Arg576*; c.1462C>T, p.Arg488Ter (NM_001164716.1); short protein forms R576*, R488*.
Identifiers: ClinVar variation 2307 (VCV000002307.29), dbSNP rs119103255, ClinGen allele CA252206.
Genomic context (GRCh38, chr11:64,751,966, plus strand): 5'-AGAGTGGCTGCCACTCACGGTTGTACAGGGTGATGACATGGAGGCAGTTGAGGAGCTGTC[G>A]TTTATATTCGTGAATCCGCTTCACCTGGATGTCGAAGAGTGAGTTGGGGTTGATGTGGAC-3'

ClinVar aggregate classification (germline): Pathogenic/Likely pathogenic. Review status: criteria provided, multiple submitters, no conflicts (2 of 4 stars). 14 submissions from 14 submitters: Pathogenic (10); Likely pathogenic (1). 3 of the submissions do not count toward it. Last evaluated 2026-02-07.

Conditions:
Glycogen storage disease, type V (GSD5). Also called: MUSCLE GLYCOGEN PHOSPHORYLASE DEFICIENCY; MYOPHOSPHORYLASE DEFICIENCY; PYGM DEFICIENCY; MCARDLE DISEASE; McArdle type glycogen storage disease. Identifiers: Orphanet 368, MedGen C0017924, MONDO:0009293, OMIM 232600.

Allele frequency attached by ClinVar (database versions not stated): ExAC 0.00005; gnomAD exomes 0.00001 and 0.00004; TOPMed 0.00001; gnomAD 0.00001.

Submissions (14):

GeneDx
Classification: Pathogenic. Last evaluated: 2026-02-07. Review status: criteria provided, single submitter. Criteria: GeneDx Variant Classification Process June 2021. Collection method: clinical testing. Allele origin: germline. Affected: yes.
Comment: Not observed at significant frequency in large population cohorts (gnomAD); Nonsense variant predicted to result in protein truncation or nonsense mediated decay in a gene for which loss of function is a known mechanism of disease; This variant is associated with the following publications: (PMID: 25525159, 9506549, 17404776, 34426522, 31589614, 28967462, 16786513, 17221871, 17324573, 17630210, 33726816, 34534370, 22250184, 19232494, 34645491)

Labcorp Genetics (formerly Invitae), Labcorp
Classification: Pathogenic for Glycogen storage disease, type V. Last evaluated: 2025-12-01. Review status: criteria provided, single submitter. Criteria: Invitae Variant Classification Sherloc (09022015). Collection method: clinical testing. Allele origin: germline.
Comment: This sequence change creates a premature translational stop signal (p.Arg576*) in the PYGM gene. It is expected to result in an absent or disrupted protein product. Loss-of-function variants in PYGM are known to be pathogenic (PMID: 8316268, 16786513). This variant is present in population databases (rs119103255, gnomAD 0.007%). This premature translational stop signal has been observed in individuals with McArdle disease (PMID: 9506549, 22250184). This variant is also known as Arg575Stop. ClinVar contains an entry for this variant (Variation ID: 2307). For these reasons, this variant has been classified as Pathogenic.

Natera, Inc.
Classification: Pathogenic for Glycogen storage disease V. Last evaluated: 2025-06-10. Review status: criteria provided, single submitter. Criteria: Natera Variant Classification Schema (03/2026). Collection method: clinical testing. Allele origin: germline.
Comment: The c.1726C>T variant in PYGM is a nonsense variant predicted to introduce a stop codon at amino acid 576. This variant is expected to result in nonsense mediated decay, truncation, or a dysfunctional protein product. This variant is rare in the general population with a frequency below the threshold expected for the associated phenotype(s). This variant has been observed in one or more individuals affected with the associated recessive disease, as either homozygous or compound heterozygous with a second variant (PMID: 34534370). Given the available evidence, this variant is classified as Pathogenic.

Fulgent Genetics
Classification: Pathogenic for Glycogen storage disease, type V. Last evaluated: 2024-04-22. Review status: criteria provided, single submitter. Criteria: ACMG Guidelines, 2015. Collection method: clinical testing. Allele origin: germline.

Baylor Genetics
Classification: Pathogenic for Glycogen storage disease, type V. Last evaluated: 2024-03-24. Review status: criteria provided, single submitter. Criteria: ACMG Guidelines, 2015. Collection method: clinical testing. Allele origin: unknown.

Revvity Omics, Revvity
Classification: Pathogenic for Glycogen storage disease, type V. Last evaluated: 2024-02-07. Review status: criteria provided, single submitter. Criteria: ACMG Guidelines, 2015. Collection method: clinical testing. Allele origin: germline.

Mayo Clinic Laboratories, Mayo Clinic
Classification: Pathogenic. Last evaluated: 2023-09-15. Review status: criteria provided, single submitter. Criteria: ACMG Guidelines, 2015. Collection method: clinical testing. Allele origin: germline. Observed: 1 variant allele.
Comment: PP4, PM2_moderate, PM3, PVS1

Institute of Medical Genetics and Applied Genomics, University Hospital Tübingen
Classification: Pathogenic. Last evaluated: 2021-06-17. Review status: criteria provided, single submitter. Criteria: ACMG Guidelines, 2015. Collection method: clinical testing. Allele origin: germline. Inheritance: Autosomal recessive inheritance. Affected: yes.

Rady Children's Institute for Genomic Medicine, Rady Children's Hospital San Diego
Classification: Pathogenic for GLYCOGEN STORAGE DISEASE V. Last evaluated: 2017-08-04. Review status: criteria provided, single submitter. Criteria: ACMG Guidelines, 2015. Collection method: clinical testing. Allele origin: germline. Affected: yes. Observed: 1 variant allele.
Comment: This stop-gained variant is predicted to result in premature truncation of the protein. This variant has been previously reported in the compound heterozygous state in a patient with McArdle disease (PMID: 9506549). The highest reported allele frequency in the ExAC database is 0.00006 in the European (Non-Finnish) population. Based on the combined evidence, this variant is classified as pathogenic.

Clinical Genetics and Genomics, Karolinska University Hospital
Classification: Likely pathogenic. Last evaluated: 2015-10-29. Review status: criteria provided, single submitter. Criteria: ACMG Guidelines, 2015. Collection method: clinical testing. Allele origin: germline. Affected: yes. Observed: 2 variant alleles.

Kariminejad - Najmabadi Pathology & Genetics Center
Classification: Pathogenic for Glycogen storage disease, type V. Review status: criteria provided, single submitter. Criteria: ACMG Guidelines, 2015. Collection method: clinical testing. Allele origin: germline. Affected: no.

Division of Human Genetics, Children's Hospital of Philadelphia
Classification: Pathogenic for Glycogen storage disease, type V. Last evaluated: 2016-08-11. Review status: no assertion criteria provided. Collection method: research. Allele origin: germline. Study: CSER-PediSeq. Not counted in ClinVar's aggregate classification.

Counsyl
Classification: Likely pathogenic for Glycogen storage disease, type V. Last evaluated: 2015-01-15. Review status: no assertion criteria provided. Collection method: literature only. Allele origin: unknown. Inheritance: Autosomal recessive inheritance. Not counted in ClinVar's aggregate classification.

OMIM
Classification: Pathogenic for MCARDLE DISEASE. Last evaluated: 1998-03-01. Review status: no assertion criteria provided. Collection method: literature only. Allele origin: germline. Not counted in ClinVar's aggregate classification.

Literature cited by the submitters: PubMed 8316268 (cited by Labcorp Genetics (formerly Invitae), Labcorp); PubMed 16786513 (cited by 3 submitters); PubMed 9506549 (cited by 5 submitters); PubMed 22250184 (cited by 3 submitters); PubMed 34534370 (cited by Natera, Inc. and Mayo Clinic Laboratories, Mayo Clinic).